The following is an entry in ClinVar:

ClinVar aggregate classification (germline): Uncertain significance (1 of 4 stars; one submission).

Conditions:
Hereditary cancer-predisposing syndrome. Also called: Tumor predisposition; Hereditary neoplastic syndrome; Hereditary Cancer Syndrome; Neoplastic Syndromes, Hereditary. Identifiers: Orphanet 140162, MedGen C0027672, MeSH D009386, MONDO:0015356.

Submission:

Ambry Genetics
Classification: Uncertain significance for Hereditary cancer-predisposing syndrome. Last evaluated: 2023-09-28. Review status: criteria provided, single submitter. Criteria: Ambry Variant Classification Scheme 2023. Collection method: clinical testing. Allele origin: germline.
Comment: The p.A541P variant (also known as c.1621G>C), located in coding exon 8 of the ALK gene, results from a G to C substitution at nucleotide position 1621. The alanine at codon 541 is replaced by proline, an amino acid with highly similar properties. This amino acid position is conserved. In addition, this alteration is predicted to be tolerated by in silico analysis. Since supporting evidence is limited at this time, the clinical significance of this alteration remains unclear.

NM_004304.5(ALK):c.1621G>C (p.Ala541Pro)

Gene: ALK (ALK receptor tyrosine kinase; minus strand). Cytogenetic location: 2p23.2.
Variant type: single nucleotide variant.
Coding change: c.1621G>C on transcript NM_004304.5 (MANE Select); coding-DNA position 1621, G replaced by C.
Protein change: p.Ala541Pro; replaces alanine 541 with proline.
Molecular consequence: missense variant.
Genome position (GRCh38, 1-based): chr2:29,318,330, C>G on the plus strand (G>C on the coding strand, the complement: ALK is on the minus strand). VCF-style: chr2-29318330-C-G. GRCh37 (hg19) VCF-style: chr2-29541196-C-G.
Other names: short protein forms A541P.
Identifiers: ClinVar variation 3223796 (VCV003223796.1), dbSNP rs2148248033, ClinGen allele CA346470982.
Genomic context (GRCh38, chr2:29,318,330, plus strand): 5'-GAAATTAGAGAACTAGAGAAACAAGGAGACTTGCCTCACATGGAGAGCTCTTGATCGGTG[C>G]AGGAAACGTAGCACTGGTCACTGTAGCACTTTCAGAAGCGGGGACATCAGTGGTACTGAG-3'
Protein context (NP_004295.2, residues 531-551): SATVTSATFP[Ala541Pro]PIKSSPCELR